The following is an entry in ClinVar:

ClinVar aggregate classification (germline): Uncertain significance. Review status: criteria provided, multiple submitters, no conflicts (2 of 4 stars). 2 submissions from 2 submitters: Uncertain significance (2). Last evaluated 2025-07-30.

Conditions:
Hereditary cancer-predisposing syndrome. Also called: Neoplastic Syndromes, Hereditary; Hereditary Cancer Syndrome; Tumor predisposition; Hereditary neoplastic syndrome. Identifiers: Orphanet 140162, MedGen C0027672, MeSH D009386, MONDO:0015356.
Familial adenomatous polyposis 1 (FAP1). Also called: FAMILIAL ADENOMATOUS POLYPOSIS 1, ATTENUATED; POLYPOSIS, ADENOMATOUS INTESTINAL. Identifiers: MedGen C2713442, MONDO:0021056, OMIM 175100. Disease mechanism: loss of function.

Submissions (2):

Color Diagnostics, LLC DBA Color Health
Classification: Uncertain significance for Hereditary cancer-predisposing syndrome. Last evaluated: 2025-07-30. Review status: criteria provided, single submitter. Criteria: ACMG Guidelines, 2015. Collection method: clinical testing. Allele origin: germline.
Comment: This missense variant replaces aspartic acid with asparagine at codon 1637 of the APC protein. Computational prediction is inconclusive regarding the impact of this variant on protein structure and function. To our knowledge, functional studies have not been reported for this variant. This variant has been reported in an individual affected with attenuated familial adenomatous polyposis (PMID: 19279422). This variant has not been identified in the general population by the Genome Aggregation Database (gnomAD). The available evidence is insufficient to determine the role of this variant in disease conclusively. Therefore, this variant is classified as a Variant of Uncertain Significance.

Labcorp Genetics (formerly Invitae), Labcorp
Classification: Uncertain significance for Familial adenomatous polyposis 1. Last evaluated: 2021-10-21. Review status: criteria provided, single submitter. Criteria: Invitae Variant Classification Sherloc (09022015). Collection method: clinical testing. Allele origin: germline.
Comment: This sequence change replaces aspartic acid with asparagine at codon 1637 of the APC protein (p.Asp1637Asn). The aspartic acid residue is highly conserved and there is a small physicochemical difference between aspartic acid and asparagine. This variant is not present in population databases (ExAC no frequency). This missense change has been observed in individual(s) with 10 colorectal adenomas (PMID: 19279422). Algorithms developed to predict the effect of missense changes on protein structure and function are either unavailable or do not agree on the potential impact of this missense change (SIFT: "Deleterious"; PolyPhen-2: "Probably Damaging"; Align-GVGD: "Class C0"). In summary, the available evidence is currently insufficient to determine the role of this variant in disease. Therefore, it has been classified as a Variant of Uncertain Significance.

Literature cited by the submitters: PubMed 19279422 (cited by Color Diagnostics, LLC DBA Color Health and Labcorp Genetics (formerly Invitae), Labcorp).

NM_000038.6(APC):c.4909G>A (p.Asp1637Asn)

Gene: APC (APC regulator of Wnt signaling pathway; plus strand). Cytogenetic location: 5q22.2.
Variant type: single nucleotide variant.
Coding change: c.4909G>A on transcript NM_000038.6 (MANE Select); coding-DNA position 4909, G replaced by A.
Protein change: p.Asp1637Asn; replaces aspartic acid 1637 with asparagine.
Molecular consequence: missense variant.
Genome position (GRCh38, 1-based): chr5:112,840,503, G>A. VCF-style: chr5-112840503-G-A. GRCh37 (hg19) VCF-style: chr5-112176200-G-A.
Other names: c.4834G>A, p.Asp1612Asn (NM_001354898.2); c.4825G>A, p.Asp1609Asn (NM_001354899.2); c.4786G>A, p.Asp1596Asn (NM_001354900.2); c.4732G>A, p.Asp1578Asn (NM_001354901.2); c.4636G>A, p.Asp1546Asn (NM_001354902.2); c.4606G>A, p.Asp1536Asn (NM_001354903.2); c.4531G>A, p.Asp1511Asn (NM_001354904.2); c.4429G>A, p.Asp1477Asn (NM_001354905.2); and 5 more; short protein forms D1637N, D1647N, D1511N, D1609N, D1354N, D1546N, D1578N, D1612N.
Identifiers: ClinVar variation 1037892 (VCV001037892.8), dbSNP rs1765803734, ClinGen allele CA16032084.
Genomic context (GRCh38, chr5:112,840,503, plus strand): 5'-CTTCTACCATCACAAAACAGGTTGCAACCCCAAAAGCATGTTAGTTTTACACCGGGGGAT[G>A]ATATGCCACGGGTGTATTGTGTTGAAGGGACACCTATAAACTTTTCCACAGCTACATCTC-3'
Protein context (NP_000029.2, residues 1627-1647): QKHVSFTPGD[Asp1637Asn]MPRVYCVEGT